The following is an entry in ClinVar:

ClinVar aggregate classification (germline): Uncertain significance (1 of 4 stars; one submission).

Conditions:
Charcot-Marie-Tooth disease type 4A. Also called: Charcot-Marie-Tooth disease, demyelinating, autosomal recessive, type 4a. Identifiers: Orphanet 99948, MedGen C1859198, MONDO:0008961, OMIM 214400.

Submission:

Labcorp Genetics (formerly Invitae), Labcorp
Classification: Uncertain significance for Charcot-Marie-Tooth disease type 4A. Last evaluated: 2020-02-17. Review status: criteria provided, single submitter. Criteria: Invitae Variant Classification Sherloc (09022015). Collection method: clinical testing. Allele origin: germline.
Comment: This sequence change replaces proline with threonine at codon 144 of the GDAP1 protein (p.Pro144Thr). The proline residue is highly conserved and there is a small physicochemical difference between proline and threonine. This variant is not present in population databases (ExAC no frequency). This variant has not been reported in the literature in individuals with GDAP1-related conditions. ClinVar contains an entry for this variant (Variation ID: 467761). Algorithms developed to predict the effect of missense changes on protein structure and function are either unavailable or do not agree on the potential impact of this missense change (SIFT: "Tolerated"; PolyPhen-2: "Probably Damaging"; Align-GVGD: "Class C0"). In summary, the available evidence is currently insufficient to determine the role of this variant in disease. Therefore, it has been classified as a Variant of Uncertain Significance.

NM_018972.4(GDAP1):c.430C>A (p.Pro144Thr)

Gene: GDAP1 (ganglioside induced differentiation associated protein 1; plus strand). Cytogenetic location: 8q21.11.
Variant type: single nucleotide variant.
Coding change: c.430C>A on transcript NM_018972.4 (MANE Select); coding-DNA position 430, C replaced by A.
Protein change: p.Pro144Thr; replaces proline 144 with threonine.
Molecular consequence: missense variant. On other transcripts: intron variant (1).
Genome position (GRCh38, 1-based): chr8:74,360,256, C>A. VCF-style: chr8-74360256-C-A. GRCh37 (hg19) VCF-style: chr8-75272491-C-A.
Other names: c.226C>A, p.Pro76Thr (NM_001040875.4); c.103C>A, p.Pro35Thr (NM_001362929.2, NM_001362932.2); c.430C>A, p.Pro144Thr (NM_001362931.2); c.311-1628C>A (NM_001362930.2); short protein forms P144T, P35T, P76T.
Identifiers: ClinVar variation 467761 (VCV000467761.8), dbSNP rs570990910, ClinGen allele CA371548820.